The following is an entry in ClinVar:

NM_000747.3(CHRNB1):c.995T>C (p.Leu332Pro)

Gene: CHRNB1 (cholinergic receptor nicotinic beta 1 subunit; plus strand). Cytogenetic location: 17p13.1.
Variant type: single nucleotide variant.
Coding change: c.995T>C on transcript NM_000747.3 (MANE Select); coding-DNA position 995, T replaced by C.
Protein change: p.Leu332Pro; replaces leucine 332 with proline.
Molecular consequence: missense variant.
Genome position (GRCh38, 1-based): chr17:7,454,471, T>C. VCF-style: chr17-7454471-T-C. GRCh37 (hg19) VCF-style: chr17-7357790-T-C.
Other names: short protein forms L332P.
Identifiers: ClinVar variation 1707891 (VCV001707891.4), dbSNP rs749634279, ClinGen allele CA397798542.

ClinVar aggregate classification (germline): Uncertain significance. Review status: criteria provided, multiple submitters, no conflicts (2 of 4 stars). 2 submissions from 2 submitters: Uncertain significance (2). Last evaluated 2026-07-03.

Conditions:
Congenital myasthenic syndrome 2A. Also called: Myasthenic syndrome, congenital, 2a, slow-channel. Identifiers: Orphanet 590, MedGen C4225374, MONDO:0014581, OMIM 616313.

Submissions (2):

GeneDx
Classification: Uncertain significance. Last evaluated: 2026-07-03. Review status: criteria provided, single submitter. Criteria: GeneDx Variant Classification Process June 2021. Collection method: clinical testing. Allele origin: germline.
Comment: Not observed at significant frequency in large population cohorts (gnomAD); In silico analysis supports that this missense variant has a deleterious effect on protein structure/function; Has not been previously published as pathogenic or benign to our knowledge

Labcorp Genetics (formerly Invitae), Labcorp
Classification: Uncertain significance for Congenital myasthenic syndrome 2A. Last evaluated: 2025-04-26. Review status: criteria provided, single submitter. Criteria: Invitae Variant Classification Sherloc (09022015). Collection method: clinical testing. Allele origin: germline.
Comment: This sequence change replaces leucine, which is neutral and non-polar, with proline, which is neutral and non-polar, at codon 332 of the CHRNB1 protein (p.Leu332Pro). This variant is not present in population databases (gnomAD no frequency). This variant has not been reported in the literature in individuals affected with CHRNB1-related conditions. ClinVar contains an entry for this variant (Variation ID: 1707891). Invitae Evidence Modeling of protein sequence and biophysical properties (such as structural, functional, and spatial information, amino acid conservation, physicochemical variation, residue mobility, and thermodynamic stability) indicates that this missense variant is expected to disrupt CHRNB1 protein function with a positive predictive value of 80%. In summary, the available evidence is currently insufficient to determine the role of this variant in disease. Therefore, it has been classified as a Variant of Uncertain Significance.